The following is an entry in ClinVar:

NM_016343.4(CENPF):c.6078G>A (p.Leu2026=)

Gene: CENPF (centromere protein F; plus strand). Cytogenetic location: 1q41.
Variant type: single nucleotide variant.
Coding change: c.6078G>A on transcript NM_016343.4 (MANE Select); coding-DNA position 6078, G replaced by A.
Protein change: p.Leu2026=; no amino-acid change (leucine 2026 retained).
Molecular consequence: synonymous variant.
Genome position (GRCh38, 1-based): chr1:214,645,648, G>A. VCF-style: chr1-214645648-G-A. GRCh37 (hg19) VCF-style: chr1-214818991-G-A.
Identifiers: ClinVar variation 725972 (VCV000725972.5), dbSNP rs146606492, ClinGen allele CA1390903.

ClinVar aggregate classification (germline): Likely benign. Review status: criteria provided, single submitter (1 of 4 stars). 2 submissions from 2 submitters: Likely benign (1). 1 of the submissions does not count toward it. Last evaluated 2018-08-01.

Conditions:
CENPF-related disorder. Also called: CENPF-related condition.

Allele frequency attached by ClinVar (database versions not stated): ExAC 0.00002; gnomAD exomes 0.00004 and 0.00006; gnomAD 0.00005 and 0.00007; TOPMed 0.00006; ESP Exome Variant Server 0.00008.
gnomAD v4.1: 93 of 1,614,020 alleles (0.0058%); highest among the groups gnomAD compares: Non-Finnish European, 0.0076%; no homozygotes.

Submissions (2):

Labcorp Genetics (formerly Invitae), Labcorp
Classification: Likely benign. Last evaluated: 2018-08-01. Review status: criteria provided, single submitter. Criteria: Invitae Variant Classification Sherloc (09022015). Collection method: clinical testing. Allele origin: germline.

PreventionGenetics, part of Exact Sciences
Classification: Likely benign for CENPF-related condition. Last evaluated: 2021-12-27. Review status: no assertion criteria provided. Collection method: clinical testing. Allele origin: germline. Not counted in ClinVar's aggregate classification.
Comment: This variant is classified as likely benign based on ACMG/AMP sequence variant interpretation guidelines (Richards et al. 2015 PMID: 25741868, with internal and published modifications).